The following is an entry in ClinVar:

NM_014946.4(SPAST):c.1783A>G (p.Ser595Gly)

Gene: SPAST (spastin; plus strand). Cytogenetic location: 2p22.3.
Variant type: single nucleotide variant.
Coding change: c.1783A>G on transcript NM_014946.4 (MANE Select); coding-DNA position 1783, A replaced by G.
Protein change: p.Ser595Gly; replaces serine 595 with glycine.
Molecular consequence: missense variant. On other transcripts: 3 prime UTR variant (1).
Genome position (GRCh38, 1-based): chr2:32,154,428, A>G. VCF-style: chr2-32154428-A-G. GRCh37 (hg19) VCF-style: chr2-32379497-A-G.
Other names: c.1687A>G, p.Ser563Gly (NM_199436.2); c.1780A>G, p.Ser594Gly (NM_001363823.2); c.1684A>G, p.Ser562Gly (NM_001363875.2); c.*56A>G (NM_001377959.1); short protein forms S562G, S563G, S594G, S595G.
Identifiers: ClinVar variation 994983 (VCV000994983.38), dbSNP rs1553321245, ClinGen allele CA346505635.
Genomic context (GRCh38, chr2:32,154,428, plus strand): 5'-ATCTAGATGAGAAATATTCGATTATCTGACTTCACTGAATCCTTGAAAAAAATAAAACGC[A>G]GCGTCAGCCCTCAAACTTTAGAAGCGTACATACGTTGGAACAAGGACTTTGGAGATACCA-3'
Protein context (NP_055761.2, residues 585-605): FTESLKKIKR[Ser595Gly]VSPQTLEAYI

ClinVar aggregate classification (germline): Conflicting classifications of pathogenicity. Review status: criteria provided, conflicting classifications (1 of 4 stars). 3 submissions from 3 submitters: Likely pathogenic (2); Uncertain significance (1). Last evaluated 2026-07-22.

Conditions:
Hereditary spastic paraplegia 4. Also called: Spastic Paraplegia 4; Familial spastic paraplegia autosomal dominant 2; Spastic paraplegia 4, autosomal dominant. Identifiers: Orphanet 100985, MedGen C1866855, MONDO:0008438, OMIM 182601.

Allele frequency attached by ClinVar (database versions not stated): gnomAD 0.00001.
gnomAD v4.1: 1 of 1,613,216 alleles (0.000062%); highest among the groups gnomAD compares: Admixed American, 0.0017%; no homozygotes.

Submissions (3):

Department of Human Genetics, University Hospital Bern, Inselspital
Classification: Likely pathogenic for Hereditary spastic paraplegia 4. Last evaluated: 2026-07-22. Review status: criteria provided, single submitter. Criteria: ACMG Guidelines, 2015. Collection method: clinical testing. Allele origin: paternal. Affected: yes. Observed: 1 variant allele.
Comment: The variant is present in gnomAD v4.1 with a frequency of 0.000062% (1 heterozygous individual) and is predicted to be pathogenic by REVEL. Other variants affecting the same amino acid residue have been reported as pathogenic/likely pathogenic.

CeGaT Center for Human Genetics Tuebingen
Classification: Likely pathogenic. Last evaluated: 2021-02-01. Review status: criteria provided, single submitter. Criteria: CeGaT Center For Human Genetics Tuebingen Variant Classification Criteria Version 2. Collection method: clinical testing. Allele origin: germline. Affected: yes. Observed: 1 variant allele.

Athena Diagnostics
Classification: Uncertain significance. Last evaluated: 2020-02-19. Review status: criteria provided, single submitter. Criteria: Athena Diagnostics Criteria. Collection method: clinical testing. Allele origin: unknown.